The following is an entry in ClinVar:

NM_020401.4(NUP107):c.387T>C (p.Ser129=)

Gene: NUP107 (nucleoporin 107; plus strand). Cytogenetic location: 12q15.
Variant type: single nucleotide variant.
Coding change: c.387T>C on transcript NM_020401.4 (MANE Select); coding-DNA position 387, T replaced by C.
Protein change: p.Ser129=; no amino-acid change (serine 129 retained).
Molecular consequence: synonymous variant.
Genome position (GRCh38, 1-based): chr12:68,692,051, T>C. VCF-style: chr12-68692051-T-C. GRCh37 (hg19) VCF-style: chr12-69085831-T-C.
Other names: c.300T>C, p.Ser100= (NM_001330192.2).
Identifiers: ClinVar variation 3031733 (VCV003031733.3), dbSNP rs1050253295, ClinGen allele CA238432178.
Genomic context (GRCh38, chr12:68,692,051, plus strand): 5'-CTGGGCAGCTGCATTTTCATCACAGCGTTCCGGGCTGTTCACAAACACAGAGCCCCACAG[T>C]ATAACAGAAGATGTAACTATCAGTGCTGTTATGTTACGTGAGGATGATCCTGGAGAAGCT-3'
Protein context (NP_065134.1, residues 119-139): SGLFTNTEPH[Ser129=]ITEDVTISAV

ClinVar aggregate classification (germline): Likely benign. Review status: criteria provided, single submitter (1 of 4 stars). 2 submissions from 2 submitters: Likely benign (1). 1 of the submissions does not count toward it. Last evaluated 2025-08-06.

Conditions:
NUP107-related disorder. Also called: NUP107-related condition.

Allele frequency attached by ClinVar (database versions not stated): gnomAD 0.00017.
gnomAD v4.1: 39 of 1,612,034 alleles (0.0024%); highest among the groups gnomAD compares: Admixed American, 0.054%; no homozygotes.

Submissions (2):

Labcorp Genetics (formerly Invitae), Labcorp
Classification: Likely benign. Last evaluated: 2025-08-06. Review status: criteria provided, single submitter. Criteria: Invitae Variant Classification Sherloc (09022015). Collection method: clinical testing. Allele origin: germline.

PreventionGenetics, part of Exact Sciences
Classification: Likely benign for NUP107-related condition. Last evaluated: 2022-12-21. Review status: no assertion criteria provided. Collection method: clinical testing. Allele origin: germline. Not counted in ClinVar's aggregate classification.
Comment: This variant is classified as likely benign based on ACMG/AMP sequence variant interpretation guidelines (Richards et al. 2015 PMID: 25741868, with internal and published modifications).